The following is an entry in ClinVar:

NM_147127.5(EVC2):c.3870_3893dup (p.Lys1293_Lys1300dup)

Gene: EVC2 (EvC ciliary complex subunit 2; minus strand). Cytogenetic location: 4p16.2.
Variant type: Duplication.
Coding change: c.3870_3893dup on transcript NM_147127.5 (MANE Select); coding-DNA positions 3870 to 3893, 24 bases duplicated (GAAAAAGAAGAACTTTTTGAATGC).
Protein change: p.Lys1293_Lys1300dup.
Molecular consequence: inframe insertion.
Genome position (GRCh38, 1-based): chr4:5,562,882-5,562,905, GCATTCAAAAAGTTCTTCTTTTTC duplicated on the plus strand (GAAAAAGAAGAACTTTTTGAATGC on the coding strand, the reverse complement: EVC2 is on the minus strand). VCF-style (leftmost placement, unchanged base first): chr4-5562881-G-GGCATTCAAAAAGTTCTTCTTTTTC. GRCh37 (hg19) VCF-style: chr4-5564608-G-GGCATTCAAAAAGTTCTTCTTTTTC.
Other names: c.3630_3653dup, p.Lys1213_Lys1220dup (NM_001166136.2); c.3870_3893dup24 (NM_147127.5).
Identifiers: ClinVar variation 183329 (VCV000183329.2), dbSNP rs730882232, ClinGen allele CA186068.

ClinVar aggregate classification (germline): Uncertain significance. Review status: criteria provided, single submitter (1 of 4 stars). 2 submissions from 2 submitters: Uncertain significance (1). 1 of the submissions does not count toward it. Last evaluated 2024-08-08.

Conditions:
Meckel-Gruber syndrome. Also called: DYSENCEPHALIA SPLANCHNOCYSTICA; GRUBER SYNDROME; Dysencephalia splachnocystica. Identifiers: Orphanet 564, MedGen C0265215, MONDO:0018921.

Submissions (2):

Women's Health and Genetics/Laboratory Corporation of America, LabCorp
Classification: Uncertain significance. Last evaluated: 2024-08-08. Review status: criteria provided, single submitter. Criteria: LabCorp Variant Classification Summary - May 2015. Collection method: clinical testing. Allele origin: germline.
Comment: Variant summary: EVC2 c.3870_3893dup24 (p.Lys1293_Lys1300dup) results in an in-frame duplication that is predicted to duplicate 8 amino acids into the encoded protein. The variant was absent in 251424 control chromosomes. The available data on variant occurrences in the general population are insufficient to allow any conclusion about variant significance. c.3870_3893dup24 has been reported in the literature in at least one homozygous individual affected with Meckel-Gruber syndrome (Shaheen_2013). These report(s) do not provide unequivocal conclusions about association of the variant with Ellis-van Creveld syndrome. To our knowledge, no experimental evidence demonstrating an impact on protein function has been reported. The following publications have been ascertained in the context of this evaluation (PMID: 29620724, 23169490, 34645488). ClinVar contains an entry for this variant (Variation ID: 183329). Based on the evidence outlined above, the variant was classified as uncertain significance.

Genomic Medicine Center of Excellence, King Faisal Specialist Hospital and Research Centre
Classification: Likely pathogenic for Meckel-Gruber syndrome. Last evaluated: 2014-12-01. Review status: no assertion criteria provided. Criteria: research. Collection method: research. Allele origin: germline. Affected: yes. Not counted in ClinVar's aggregate classification.

Literature cited by the submitters: PubMed 29620724 (cited by Women's Health and Genetics/Laboratory Corporation of America, LabCorp); PubMed 34645488 (cited by Women's Health and Genetics/Laboratory Corporation of America, LabCorp); PubMed 23169490 (cited by Women's Health and Genetics/Laboratory Corporation of America, LabCorp); PubMed 25558065 (cited by Genomic Medicine Center of Excellence, King Faisal Specialist Hospital and Research Centre).